The following is an entry in ClinVar:

ClinVar aggregate classification (germline): Uncertain significance (1 of 4 stars; one submission).

Conditions:
Progressive sclerosing poliodystrophy (MTDPS4A). Also called: Mitochondrial DNA depletion syndrome 4A (Alpers type); ALPERS PROGRESSIVE INFANTILE POLIODYSTROPHY; NEURONAL DEGENERATION OF CHILDHOOD WITH LIVER DISEASE, PROGRESSIVE; Mitochondrial DNA Depletion Syndrome 4A; Alpers-Huttenlocher Syndrome (AHS); Alpers Syndrome. Identifiers: Orphanet 726, MedGen C0205710, MONDO:0008758, OMIM 203700.

Allele frequency attached by ClinVar (database versions not stated): gnomAD exomes 0.00001.
gnomAD v4.1: 9 of 1,610,816 alleles (0.00056%); highest among the groups gnomAD compares: Non-Finnish European, 0.00076%; no homozygotes.

Submission:

Labcorp Genetics (formerly Invitae), Labcorp
Classification: Uncertain significance for Progressive sclerosing poliodystrophy. Last evaluated: 2025-08-03. Review status: criteria provided, single submitter. Criteria: Invitae Variant Classification Sherloc (09022015). Collection method: clinical testing. Allele origin: germline.
Comment: This sequence change disrupts the translational stop signal of the POLG mRNA. It is expected to extend the length of the POLG protein by 35 additional amino acid residues. This variant is not present in population databases (gnomAD no frequency). This variant has not been reported in the literature in individuals affected with POLG-related conditions. ClinVar contains an entry for this variant (Variation ID: 1466528). Experimental studies and prediction algorithms are not available or were not evaluated, and the functional significance of this variant is currently unknown. This variant results in an extension of the POLG protein. Other variant(s) that result in a similarly extended protein product (p.*1240Glnext*35) have been observed in individuals with POLG-related disease (PMID: 22189570, 24086434). This suggests that these extensions may be clinically significant. In summary, the available evidence is currently insufficient to determine the role of this variant in disease. Therefore, it has been classified as a Variant of Uncertain Significance.

Literature cited by the submitters: PubMed 22189570; PubMed 24086434.

NM_002693.3(POLG):c.3720G>C (p.Ter1240Tyr)

Genes: FANCI (FA complementation group I; plus strand), POLG (DNA polymerase gamma, catalytic subunit; minus strand). Cytogenetic location: 15q26.1.
Variant type: single nucleotide variant.
Coding change: c.3720G>C on transcript NM_002693.3 (MANE Select); coding-DNA position 3720, G replaced by C.
Protein change: p.Ter1240Tyr.
Molecular consequence: stop lost. On other transcripts: 3 prime UTR variant (4).
Genome position (GRCh38, 1-based): chr15:89,316,751, C>G on the plus strand (G>C on the coding strand, the complement: POLG is on the minus strand). VCF-style: chr15-89316751-C-G. GRCh37 (hg19) VCF-style: chr15-89859982-C-G.
Other names: c.3720G>C, p.Ter1240Tyr (NM_001126131.2); c.*292C>G (NM_001113378.2, NM_001376910.1, NM_001376911.1 and 1 more transcripts).
Identifiers: ClinVar variation 1466528 (VCV001466528.6), dbSNP rs991823575, ClinGen allele CA274538359.